The following is an entry in ClinVar:

ClinVar aggregate classification (germline): Uncertain significance (1 of 4 stars; one submission).

Conditions:
GAPVD1-related disorder. Also called: GAPVD1-related condition.

Allele frequency attached by ClinVar (database versions not stated): gnomAD exomes below 0.00001.
gnomAD v4.1: 3 of 1,613,684 alleles (0.00019%); highest among the groups gnomAD compares: South Asian, 0.0022%; no homozygotes.

Submission:

PreventionGenetics, part of Exact Sciences
Classification: Uncertain significance for GAPVD1-related condition. Last evaluated: 2023-01-10. Review status: criteria provided, single submitter. Criteria: ACMG Guidelines, 2015. Collection method: clinical testing. Allele origin: germline.
Comment: The GAPVD1 c.4447A>G variant is predicted to result in the amino acid substitution p.Ile1483Val. To our knowledge, this variant has not been reported in the literature or in a large population database, indicating this variant is rare. At this time, the clinical significance of this variant is uncertain due to the absence of conclusive functional and genetic evidence.

NM_001282680.3(GAPVD1):c.4366A>G (p.Ile1456Val)

Gene: GAPVD1 (GTPase activating protein and VPS9 domains 1; plus strand). Cytogenetic location: 9q33.3.
Variant type: single nucleotide variant.
Coding change: c.4366A>G on transcript NM_001282680.3 (MANE Select); coding-DNA position 4366, A replaced by G.
Protein change: p.Ile1456Val; replaces isoleucine 1456 with valine.
Molecular consequence: missense variant. On other transcripts: non-coding transcript variant (2).
Genome position (GRCh38, 1-based): chr9:125,362,729, A>G. VCF-style: chr9-125362729-A-G. GRCh37 (hg19) VCF-style: chr9-128125008-A-G.
Other names: c.4420A>G, p.Ile1474Val (NM_001282679.2); c.4303A>G, p.Ile1435Val (NM_001282681.3, NM_001354297.2, NM_001354300.2); c.4222A>G, p.Ile1408Val (NM_001330777.3); c.4285A>G, p.Ile1429Val (NM_001330778.3); c.4366A>G, p.Ile1456Val (NM_001354294.2, NM_001354295.2, NM_001354296.2 and 3 more transcripts); c.4447A>G, p.Ile1483Val (NM_015635.4); short protein forms I1408V, I1429V, I1435V, I1456V, I1474V, I1483V.
Identifiers: ClinVar variation 2629120 (VCV002629120.1), dbSNP rs2541588203, ClinGen allele CA374924884.
Genomic context (GRCh38, chr9:125,362,729, plus strand): 5'-TCTGGAGAGGAGTCCTATTGGTGGATGCAGTTCACAGCAGCAGTAGAATTCATTAAAACC[A>G]TCGATGACCGAAAGTGACCAAGACCAAGGCCCACCAAGGCAGCAGACTGTTAATCAGACA-3'
Protein context (NP_001269609.1, residues 1446-1460): FTAAVEFIKT[Ile1456Val]DDRK